The following is an entry in ClinVar:

ClinVar aggregate classification (germline): Uncertain significance (1 of 4 stars; one submission).

Conditions:
Basal ganglia calcification, idiopathic, 6 (PFBC6). Also called: PRIMARY FAMILIAL BRAIN CALCIFICATION 6, AUTOSOMAL DOMINANT. Identifiers: Orphanet 1980, MedGen C4225335, MONDO:0014628, OMIM 616413.

Submission:

Dasa
Classification: Uncertain significance for Basal ganglia calcification, idiopathic, 6. Last evaluated: 2025-09-18. Review status: criteria provided, single submitter. Criteria: DASA Assertion Criteria. Collection method: clinical testing. Allele origin: germline.
Comment: NM_004736.4(XPR1):c.2075A>T (p.Asp692Val) is a missense variant that results in the substitution of aspartic acid with valine. This variant is absent from population databases. The currently available literature and clinical evidence are not sufficient to establish a definitive association between this variant and the reported condition. Therefore, this variant is classified as a variant of uncertain significance.

NM_004736.4(XPR1):c.2075A>T (p.Asp692Val)

Gene: XPR1 (xenotropic and polytropic retrovirus receptor 1; plus strand). Cytogenetic location: 1q25.3.
Variant type: single nucleotide variant.
Coding change: c.2075A>T on transcript NM_004736.4 (MANE Select); coding-DNA position 2075, A replaced by T.
Protein change: p.Asp692Val; replaces aspartic acid 692 with valine.
Molecular consequence: missense variant. On other transcripts: non-coding transcript variant (1).
Genome position (GRCh38, 1-based): chr1:180,884,050, A>T. VCF-style: chr1-180884050-A-T. GRCh37 (hg19) VCF-style: chr1-180853186-A-T.
Other names: c.1880A>T, p.Asp627Val (NM_001135669.2); short protein forms D627V, D692V.
Identifiers: ClinVar variation 4881736 (VCV004881736.2).